The following is an entry in ClinVar:

NM_025114.4(CEP290):c.1844_1845dup (p.Leu616fs)

Gene: CEP290 (centrosomal protein 290; minus strand). Cytogenetic location: 12q21.32.
Variant type: Duplication.
Coding change: c.1844_1845dup on transcript NM_025114.4 (MANE Select); coding-DNA positions 1844 to 1845, 2 bases duplicated (AA; older notation c.1844_1845dupAA).
Protein change: p.Leu616fs; shifts the reading frame from leucine 616.
Molecular consequence: frameshift variant.
Genome position (GRCh38, 1-based): chr12:88,115,162-88,115,163, TT duplicated on the plus strand (AA on the coding strand, the reverse complement: CEP290 is on the minus strand). VCF-style (leftmost placement, unchanged base first): chr12-88115161-G-GTT. GRCh37 (hg19) VCF-style: chr12-88508938-G-GTT.
Other names: short protein forms L616fs.
Identifiers: ClinVar variation 2949301 (VCV002949301.3), dbSNP rs2500829029, ClinGen allele CA2740092506.

ClinVar aggregate classification (germline): Pathogenic (1 of 4 stars; one submission).

Conditions:
Joubert syndrome. Also called: CEREBELLOPARENCHYMAL DISORDER IV; JOUBERT-BOLTSHAUSER SYNDROME; Familial aplasia of the vermis. Identifiers: Orphanet 475, MedGen C5979921, MONDO:0018772.
Nephronophthisis. Also called: Juvenile Nephronophthisis. Identifiers: Orphanet 655, MedGen C0687120, MONDO:0019005, HP:0000090.
Meckel-Gruber syndrome. Also called: DYSENCEPHALIA SPLANCHNOCYSTICA; GRUBER SYNDROME; Dysencephalia splachnocystica. Identifiers: Orphanet 564, MedGen C0265215, MONDO:0018921.

Submission:

Labcorp Genetics (formerly Invitae), Labcorp
Classification: Pathogenic for Joubert syndrome; Meckel-Gruber syndrome; Nephronophthisis. Last evaluated: 2023-06-25. Review status: criteria provided, single submitter. Criteria: Invitae Variant Classification Sherloc (09022015). Collection method: clinical testing. Allele origin: germline.
Comment: For these reasons, this variant has been classified as Pathogenic. This variant has not been reported in the literature in individuals affected with CEP290-related conditions. This variant is not present in population databases (gnomAD no frequency). This sequence change creates a premature translational stop signal (p.Leu616Asnfs*2) in the CEP290 gene. It is expected to result in an absent or disrupted protein product. Loss-of-function variants in CEP290 are known to be pathogenic (PMID: 16909394, 17345604, 20690115).

Literature cited by the submitters: PubMed 16909394; PubMed 17345604; PubMed 20690115.